The following is an entry in ClinVar:

NM_000371.4(TTR):c.337-14_337-11del

Gene: TTR (transthyretin; plus strand). Cytogenetic location: 18q12.1.
Variant type: Microsatellite.
Coding change: c.337-14_337-11del on transcript NM_000371.4 (MANE Select); 14 bases into the intron before coding-DNA position 337 through 11 bases into the intron before coding-DNA position 337, 4 bases deleted (GTCT; older notation c.337-14_337-11delGTCT).
Molecular consequence: intron variant.
Genome position (GRCh38, 1-based): chr18:31,598,554-31,598,557, GTCT deleted; deleting any 4 consecutive bases within chr18:31,598,547-31,598,557 gives the same sequence; the c. name uses the placement nearest the transcript's 3' end. VCF-style (leftmost placement, unchanged base first): chr18-31598546-ATCTG-A. GRCh37 (hg19) VCF-style: chr18-29178509-ATCTG-A.
Other names: c.337-14_337-11delGTCT (NM_000371.3).
Identifiers: ClinVar variation 178662 (VCV000178662.30), dbSNP rs112263266, ClinGen allele CA182751.

ClinVar aggregate classification (germline): Conflicting classifications of pathogenicity. Review status: criteria provided, conflicting classifications (1 of 4 stars). 11 submissions from 11 submitters: Uncertain significance (1); Benign (6); Likely benign (1). 3 of the submissions do not count toward it. Last evaluated 2026-02-03.

Conditions:
Cardiovascular phenotype. Identifiers: MedGen CN230736.
Cardiomyopathy (CMYO). Also called: Cardiomyopathies. Identifiers: Orphanet 167848, MedGen C0878544, MONDO:0004994, HP:0001638. Inheritance: Various modes of inheritance.
Amyloidosis, hereditary systemic 1 (AMYLD1). Also called: Hereditary Transthyretin Amyloidosis; Hereditary oculoleptomeningeal amyloid angiopathy; Familial Transthyretin Amyloidosis; Isolated Cardiac Amyloidosis; Amyloid Cardiomyopathy, Transthyretin-related; Familial amyloid polyneuropathy. Identifiers: Orphanet 85447, Orphanet 85451, MedGen C2751492, MONDO:0971004, OMIM 105210.

Submissions (11):

Labcorp Genetics (formerly Invitae), Labcorp
Classification: Benign for Amyloidosis, hereditary systemic 1. Last evaluated: 2026-02-03. Review status: criteria provided, single submitter. Criteria: Invitae Variant Classification Sherloc (09022015). Collection method: clinical testing. Allele origin: germline.

Athena Diagnostics
Classification: Benign. Last evaluated: 2025-11-06. Review status: criteria provided, single submitter. Criteria: Athena Diagnostics Criteria. Collection method: clinical testing. Allele origin: unknown.
Comment: The frequency of this variant in the general population is higher than would generally be expected for pathogenic variants in this gene. This variant has been seen where an alternate explanation for disease was also identified.

Blueprint Genetics
Classification: Likely benign. Last evaluated: 2024-11-26. Review status: criteria provided, single submitter. Criteria: ACMG Guidelines, 2015. Collection method: clinical testing. Allele origin: germline.

ARUP Laboratories, Molecular Genetics and Genomics, ARUP Laboratories
Classification: Benign. Last evaluated: 2024-07-20. Review status: criteria provided, single submitter. Criteria: ARUP Molecular Germline Variant Investigation Process 2024. Collection method: clinical testing. Allele origin: germline.

Ambry Genetics
Classification: Uncertain significance for Cardiovascular phenotype. Last evaluated: 2019-08-26. Review status: criteria provided, single submitter. Criteria: Ambry Variant Classification Scheme 2023. Collection method: clinical testing. Allele origin: germline.
Comment: The c.337-14_337-11delGTCT intronic variant, located in intron 3 of the TTR gene, results from a deletion of 4 nucleotides within intron 3 of the TTR gene. This nucleotide position is not well conserved in available vertebrate species. Using the BDGP and ESEfinder splice site prediction tools, this alteration is not predicted to have any significant effect on this splice acceptor site; however, direct evidence is unavailable. Since supporting evidence is limited at this time, the clinical significance of this alteration remains unclear.

Laboratory for Molecular Medicine, Mass General Brigham Personalized Medicine
Classification: Benign. Last evaluated: 2018-08-10. Review status: criteria provided, single submitter. Criteria: LMM Criteria. Collection method: clinical testing. Allele origin: germline. Observed: 2 variant alleles.
Comment: The c.337-14_337-11del variant in TTR is classified as benign because it has bee n identified in 0.3% (86/24008) of African chromsomes by gnomAD and is an intronic deletion of 1 of 2 GTCT tandem repeats tha t is not predicted to impact splicing. ACMG/AMP Criteria applied: BA1, BP4.

Women's Health and Genetics/Laboratory Corporation of America, LabCorp
Classification: Benign. Last evaluated: 2017-04-03. Review status: criteria provided, single submitter. Criteria: LabCorp Variant Classification Summary - May 2015. Collection method: clinical testing. Allele origin: germline.
Comment: Variant summary: The TTR c.337-14_337-11delGTCT variant involves the deletion of multiple intronic nucleotides. One in silico tool predicts a damaging outcome for this variant. 5/5 splice prediction tools predict no significant impact on normal splicing. This variant was found in 43/120050 control chromosomes, predominantly observed in the African subpopulation at a frequency of 0.003529 (36/10200). This frequency is about 113 times the estimated maximal expected allele frequency of a pathogenic TTR variant (0.0000313), suggesting this is likely a benign polymorphism found primarily in the populations of African origin. In addition, one clinical diagnostic laboratory classified this variant as benign. Taken together, this variant is classified as benign.

GeneDx
Classification: Benign for Cardiomyopathy. Last evaluated: 2013-06-24. Review status: criteria provided, single submitter. Criteria: GeneDx Variant Classification (06012015). Collection method: clinical testing. Allele origin: germline. Affected: yes.
Comment: The variant is found in HCM panel(s).

Molecular Genetics Laboratory, BC Children's and BC Women's Hospitals
Classification: Likely benign for TRANSTHYRETIN AMYLOIDOSIS. Last evaluated: 2021-01-06. Review status: no assertion criteria provided. Criteria: ACMG Guidelines, 2015. Collection method: clinical testing. Allele origin: germline. Affected: yes. Not counted in ClinVar's aggregate classification.

Clinical Genetics, Academic Medical Center
Classification: Benign. Review status: no assertion criteria provided. Collection method: clinical testing. Allele origin: germline. Affected: yes. Study: VKGL Data-share Consensus. Not counted in ClinVar's aggregate classification.

Genome Diagnostics Laboratory, University Medical Center Utrecht
Classification: Likely benign. Review status: no assertion criteria provided. Collection method: clinical testing. Allele origin: germline. Affected: yes. Study: VKGL Data-share Consensus. Not counted in ClinVar's aggregate classification.